The following is an entry in ClinVar:

NM_005652.5(TERF2):c.276G>A (p.Glu92=)

Genes: TERF2 (telomeric repeat binding factor 2; minus strand), LOC130059309 (ATAC-STARR-seq lymphoblastoid silent region 7660; plus strand). Cytogenetic location: 16q22.1.
Variant type: single nucleotide variant.
Coding change: c.276G>A on transcript NM_005652.5 (MANE Select); coding-DNA position 276, G replaced by A.
Protein change: p.Glu92=; no amino-acid change (glutamic acid 92 retained).
Molecular consequence: synonymous variant.
Genome position (GRCh38, 1-based): chr16:69,385,696, C>T on the plus strand (G>A on the coding strand, the complement: TERF2 is on the minus strand). VCF-style: chr16-69385696-C-T. GRCh37 (hg19) VCF-style: chr16-69419599-C-T.
Identifiers: ClinVar variation 3058218 (VCV003058218.3), dbSNP rs1030818017, ClinGen allele CA283333235.

ClinVar aggregate classification (germline): Likely benign. Review status: criteria provided, single submitter (1 of 4 stars). 2 submissions from 2 submitters: Likely benign (1). 1 of the submissions does not count toward it. Last evaluated 2024-10-03.

Conditions:
TERF2-related disorder. Also called: TERF2-related condition.

Allele frequency attached by ClinVar (database versions not stated): gnomAD exomes below 0.00001; TOPMed below 0.00001.
gnomAD v4.1: 23 of 1,605,574 alleles (0.0014%); highest among the groups gnomAD compares: East Asian, 0.0023%; no homozygotes.

Submissions (2):

Blueprint Genetics
Classification: Likely benign. Last evaluated: 2024-10-03. Review status: criteria provided, single submitter. Criteria: ACMG Guidelines, 2015. Collection method: clinical testing. Allele origin: germline.

PreventionGenetics, part of Exact Sciences
Classification: Likely benign for TERF2-related condition. Last evaluated: 2019-02-22. Review status: no assertion criteria provided. Collection method: clinical testing. Allele origin: germline. Not counted in ClinVar's aggregate classification.
Comment: This variant is classified as likely benign based on ACMG/AMP sequence variant interpretation guidelines (Richards et al. 2015 PMID: 25741868, with internal and published modifications).